The following is an entry in ClinVar:

NM_005251.3(FOXC2):c.1470C>T (p.His490=)

Gene: FOXC2 (forkhead box C2; plus strand). Cytogenetic location: 16q24.1.
Variant type: single nucleotide variant.
Coding change: c.1470C>T on transcript NM_005251.3 (MANE Select); coding-DNA position 1470, C replaced by T.
Protein change: p.His490=; no amino-acid change (histidine 490 retained).
Molecular consequence: synonymous variant.
Genome position (GRCh38, 1-based): chr16:86,568,805, C>T. VCF-style: chr16-86568805-C-T. GRCh37 (hg19) VCF-style: chr16-86602411-C-T.
Identifiers: ClinVar variation 2840245 (VCV002840245.3), dbSNP rs1307600516, ClinGen allele CA496854797.

ClinVar aggregate classification (germline): Uncertain significance (1 of 4 stars; one submission).

Submission:

Labcorp Genetics (formerly Invitae), Labcorp
Classification: Uncertain significance. Last evaluated: 2023-03-03. Review status: criteria provided, single submitter. Criteria: Invitae Variant Classification Sherloc (09022015). Collection method: clinical testing. Allele origin: germline.
Comment: This sequence change affects codon 490 of the FOXC2 mRNA. It is a 'silent' change, meaning that it does not change the encoded amino acid sequence of the FOXC2 protein. This variant is not present in population databases (gnomAD no frequency). This variant has not been reported in the literature in individuals affected with FOXC2-related conditions. In summary, the available evidence is currently insufficient to determine the role of this variant in disease. Therefore, it has been classified as a Variant of Uncertain Significance.